The following is an entry in ClinVar:

NM_014727.3(KMT2B):c.6803C>T (p.Pro2268Leu)

Gene: KMT2B (lysine methyltransferase 2B; plus strand). Cytogenetic location: 19q13.12.
Variant type: single nucleotide variant.
Coding change: c.6803C>T on transcript NM_014727.3 (MANE Select); coding-DNA position 6803, C replaced by T.
Protein change: p.Pro2268Leu; replaces proline 2268 with leucine.
Molecular consequence: missense variant.
Genome position (GRCh38, 1-based): chr19:35,733,352, C>T. VCF-style: chr19-35733352-C-T. GRCh37 (hg19) VCF-style: chr19-36224253-C-T.
Other names: short protein forms P2268L.
Identifiers: ClinVar variation 2649751 (VCV002649751.24), dbSNP rs2513356029, ClinGen allele CA405430176.

ClinVar aggregate classification (germline): Uncertain significance (1 of 4 stars; one submission).

Allele frequency attached by ClinVar (database versions not stated): gnomAD exomes below 0.00001.
gnomAD v4.1: 1 of 1,546,358 alleles (0.000065%); highest among the groups gnomAD compares: Admixed American, 0.002%; no homozygotes.

Submission:

CeGaT Center for Human Genetics Tuebingen
Classification: Uncertain significance. Last evaluated: 2023-03-01. Review status: criteria provided, single submitter. Criteria: CeGaT Center For Human Genetics Tuebingen Variant Classification Criteria Version 2. Collection method: clinical testing. Allele origin: germline. Affected: yes. Observed: 1 variant allele.
Comment: KMT2B: PM2